The following is an entry in ClinVar:

ClinVar aggregate classification (germline): Pathogenic/Likely pathogenic. Review status: criteria provided, multiple submitters, no conflicts (2 of 4 stars). 2 submissions from 2 submitters: Pathogenic (1); Likely pathogenic (1). Last evaluated 2025-07-16.

Conditions:
Primary ciliary dyskinesia. Also called: Ciliary dyskinesia. Identifiers: Orphanet 244, MedGen C0008780, MONDO:0016575, HP:0012265.

gnomAD v4.1: 5 of 1,614,004 alleles (0.00031%); highest among the groups gnomAD compares: South Asian, 0.0033%; no homozygotes.

Submissions (2):

Natera, Inc.
Classification: Likely pathogenic for Primary ciliary dyskinesia. Last evaluated: 2025-07-16. Review status: criteria provided, single submitter. Criteria: Natera Variant Classification Schema (03/2026). Collection method: clinical testing. Allele origin: germline.
Comment: The c.4389G>A variant in DNAH5 is a nonsense variant predicted to introduce a stop codon at amino acid 1463. This variant is expected to result in nonsense mediated decay, truncation, or a dysfunctional protein product. This variant is rare in the general population with a frequency below the threshold expected for the associated phenotype(s). Given the available evidence, this variant is classified as Likely Pathogenic.

Labcorp Genetics (formerly Invitae), Labcorp
Classification: Pathogenic for Primary ciliary dyskinesia. Last evaluated: 2024-04-13. Review status: criteria provided, single submitter. Criteria: Invitae Variant Classification Sherloc (09022015). Collection method: clinical testing. Allele origin: germline.
Comment: This sequence change creates a premature translational stop signal (p.Trp1463*) in the DNAH5 gene. It is expected to result in an absent or disrupted protein product. Loss-of-function variants in DNAH5 are known to be pathogenic (PMID: 11788826, 16627867). This variant is present in population databases (rs758550738, gnomAD 0.01%). This variant has not been reported in the literature in individuals affected with DNAH5-related conditions. For these reasons, this variant has been classified as Pathogenic.

Literature cited by the submitters: PubMed 11788826 (cited by Labcorp Genetics (formerly Invitae), Labcorp); PubMed 16627867 (cited by Labcorp Genetics (formerly Invitae), Labcorp).

NM_001369.3(DNAH5):c.4389G>A (p.Trp1463Ter)

Genes: DNAH5 (dynein axonemal heavy chain 5; minus strand), DNAH5-AS1 (DNAH5 antisense RNA 1; plus strand). Cytogenetic location: 5p15.2.
Variant type: single nucleotide variant.
Coding change: c.4389G>A on transcript NM_001369.3 (MANE Select); coding-DNA position 4389, G replaced by A.
Protein change: p.Trp1463Ter; replaces tryptophan 1463 with a stop codon.
Molecular consequence: nonsense.
Genome position (GRCh38, 1-based): chr5:13,864,604, C>T on the plus strand (G>A on the coding strand, the complement: DNAH5 is on the minus strand). VCF-style: chr5-13864604-C-T. GRCh37 (hg19) VCF-style: chr5-13864713-C-T.
Other names: c.4389G>A (NM_001369.2); short protein forms W1463*.
Identifiers: ClinVar variation 3608544 (VCV003608544.3).